The following is an entry in ClinVar:

NM_005245.4(FAT1):c.8605A>G (p.Ile2869Val)

Genes: FAT1 (FAT atypical cadherin 1; minus strand), LOC126807255 (BRD4-independent group 4 enhancer GRCh37_chr4:187538202-187539401; plus strand). Cytogenetic location: 4q35.2.
Variant type: single nucleotide variant.
Coding change: c.8605A>G on transcript NM_005245.4 (MANE Select); coding-DNA position 8605, A replaced by G.
Protein change: p.Ile2869Val; replaces isoleucine 2869 with valine.
Molecular consequence: missense variant.
Genome position (GRCh38, 1-based): chr4:186,617,981, T>C on the plus strand (A>G on the coding strand, the complement: FAT1 is on the minus strand). VCF-style: chr4-186617981-T-C. GRCh37 (hg19) VCF-style: chr4-187539135-T-C.
Other names: short protein forms I2869V.
Identifiers: ClinVar variation 1707948 (VCV001707948.2), dbSNP rs1454589425, ClinGen allele CA358960403.

ClinVar aggregate classification (germline): Uncertain significance (1 of 4 stars; one submission).

Allele frequency attached by ClinVar (database versions not stated): TOPMed 0.00001; gnomAD 0.00002.
gnomAD v4.1: 3 of 1,613,936 alleles (0.00019%); highest among the groups gnomAD compares: African/African-American, 0.004%; no homozygotes.

Submission:

GeneDx
Classification: Uncertain significance. Last evaluated: 2022-03-29. Review status: criteria provided, single submitter. Criteria: GeneDx Variant Classification Process June 2021. Collection method: clinical testing. Allele origin: germline. Affected: yes.
Comment: In silico analysis supports that this missense variant does not alter protein structure/function; Has not been previously published as pathogenic or benign to our knowledge